The following is an entry in ClinVar:

ClinVar aggregate classification (germline): Pathogenic. Review status: criteria provided, single submitter (1 of 4 stars). 2 submissions from 2 submitters: Pathogenic (1). 1 of the submissions does not count toward it. Last evaluated 2021-09-10.

Conditions:
Type I truncus arteriosus. Identifiers: MedGen C1834934, HP:0004384.
Structural heart defects and renal anomalies syndrome (SHDRA). Identifiers: Orphanet 689822, MedGen C4479549, MONDO:0044321, OMIM 617478.

Submissions (2):

Cardio-genetic Lab, Hadassah Medical Organization
Classification: Pathogenic for Type I truncus arteriosus. Last evaluated: 2021-09-10. Review status: criteria provided, single submitter. Criteria: Ta-Shma et al. (Am J Hum Genet. 2017). Collection method: research. Allele origin: maternal. Inheritance: Autosomal recessive inheritance. Affected: yes. Observed: 1 compound heterozygote.
Comment: The novel c.644delT:p.Pro549LeufsTer46 allele is in trans with the previously described c.1393C>T:p.Gln465Ter (Ta-Shma et al 2017 PMID: 28318500). The variants segregated with the disease in the family. Other families with same phenotype and deleterious variants in same gene are under submission these days. The variant meets our criteria to be classified as pathogenic based upon Loss-of-function prediction, segregation studies, absence from controls and unique phenotype.

OMIM
Classification: Pathogenic for STRUCTURAL HEART DEFECTS AND RENAL ANOMALIES SYNDROME. Last evaluated: 2026-01-16. Review status: no assertion criteria provided. Collection method: literature only. Allele origin: germline. Not counted in ClinVar's aggregate classification.

Literature cited by the submitters: PubMed 34612517 (cited by OMIM).

NM_017799.4(TMEM260):c.1644del (p.Pro549fs)

Gene: TMEM260 (transmembrane protein 260; plus strand). Cytogenetic location: 14q22.3.
Variant type: Deletion.
Coding change: c.1644del on transcript NM_017799.4 (MANE Select); coding-DNA position 1644, one base deleted (T; older notation c.1644delT).
Protein change: p.Pro549fs; shifts the reading frame from proline 549.
Molecular consequence: frameshift variant.
Genome position (GRCh38, 1-based): chr14:56,633,091, T deleted; the last of 2 consecutive T bases (chr14:56,633,090-56,633,091); deleting either gives the same sequence. VCF-style (leftmost placement, unchanged base first): chr14-56633089-GT-G. GRCh37 (hg19) VCF-style: chr14-57099807-GT-G.
Other names: c.1644delT (NM_017799.4); short protein forms P549fs.
Identifiers: ClinVar variation 1264353 (VCV001264353.20), dbSNP rs1351329464, ClinGen allele CA614732677.